The following is an entry in ClinVar:

ClinVar aggregate classification (germline): Uncertain significance. Review status: criteria provided, multiple submitters, no conflicts (2 of 4 stars). 2 submissions from 2 submitters: Uncertain significance (2). Last evaluated 2025-03-05.

Conditions:
Birt-Hogg-Dube syndrome. Also called: Birt Hogg Dubé syndrome. Identifiers: Orphanet 122, MedGen C0346010, MONDO:0800444.
Hereditary cancer-predisposing syndrome. Also called: Neoplastic Syndromes, Hereditary; Hereditary Cancer Syndrome; Hereditary neoplastic syndrome; Tumor predisposition. Identifiers: Orphanet 140162, MedGen C0027672, MeSH D009386, MONDO:0015356.

Allele frequency attached by ClinVar (database versions not stated): gnomAD exomes below 0.00001.
gnomAD v4.1: 2 of 1,614,122 alleles (0.00012%); highest among the groups gnomAD compares: Non-Finnish European, 0.000085%; no homozygotes.

Submissions (2):

Ambry Genetics
Classification: Uncertain significance for Hereditary cancer-predisposing syndrome. Last evaluated: 2025-03-05. Review status: criteria provided, single submitter. Criteria: Ambry Variant Classification Scheme 2023. Collection method: clinical testing. Allele origin: germline.
Comment: The p.S577F variant (also known as c.1730C>T), located in coding exon 11 of the FLCN gene, results from a C to T substitution at nucleotide position 1730. The serine at codon 577 is replaced by phenylalanine, an amino acid with highly dissimilar properties. This amino acid position is conserved. In addition, this alteration is predicted to be tolerated by in silico analysis. Based on the available evidence, the clinical significance of this variant remains unclear.

Labcorp Genetics (formerly Invitae), Labcorp
Classification: Uncertain significance for Birt-Hogg-Dube syndrome. Last evaluated: 2024-02-02. Review status: criteria provided, single submitter. Criteria: Invitae Variant Classification Sherloc (09022015). Collection method: clinical testing. Allele origin: germline.
Comment: This sequence change replaces serine, which is neutral and polar, with phenylalanine, which is neutral and non-polar, at codon 577 of the FLCN protein (p.Ser577Phe). This variant is not present in population databases (gnomAD no frequency). This variant has not been reported in the literature in individuals affected with FLCN-related conditions. ClinVar contains an entry for this variant (Variation ID: 851704). An algorithm developed to predict the effect of missense changes on protein structure and function (PolyPhen-2) suggests that this variant is likely to be tolerated. In summary, the available evidence is currently insufficient to determine the role of this variant in disease. Therefore, it has been classified as a Variant of Uncertain Significance.

NM_144997.7(FLCN):c.1730C>T (p.Ser577Phe)

Gene: FLCN (folliculin; minus strand). Cytogenetic location: 17p11.2.
Variant type: single nucleotide variant.
Coding change: c.1730C>T on transcript NM_144997.7 (MANE Select); coding-DNA position 1730, C replaced by T.
Protein change: p.Ser577Phe; replaces serine 577 with phenylalanine.
Molecular consequence: missense variant.
Genome position (GRCh38, 1-based): chr17:17,213,665, G>A on the plus strand (C>T on the coding strand, the complement: FLCN is on the minus strand). VCF-style: chr17-17213665-G-A. GRCh37 (hg19) VCF-style: chr17-17116979-G-A.
Other names: c.1784C>T, p.Ser595Phe (NM_001353229.2); c.1730C>T, p.Ser577Phe (NM_001353230.2, NM_001353231.2); short protein forms S595F, S577F.
Identifiers: ClinVar variation 851704 (VCV000851704.8), dbSNP rs2046815038, ClinGen allele CA398529764.
Genomic context (GRCh38, chr17:17,213,665, plus strand): 5'-AGGATCCTGTGGACAGCCATCCCTGTCTTTAGGCAGGTGTGTGTGACGGGTCAGTTCCGA[G>A]ACTCCGAGGCTGTGGGGCTGCGGACCGTGGACATGAGGTGTGACTTGTAGGTCTTGCTCA-3'
Protein context (NP_659434.2, residues 567-579): STVRSPTASE[Ser577Phe]RN